The following is an entry in ClinVar:

NM_000071.3(CBS):c.770C>T (p.Thr257Met)

Gene: CBS (cystathionine beta-synthase; minus strand). Cytogenetic location: 21q22.3.
Variant type: single nucleotide variant.
Coding change: c.770C>T on transcript NM_000071.3 (MANE Select); coding-DNA position 770, C replaced by T.
Protein change: p.Thr257Met; replaces threonine 257 with methionine.
Molecular consequence: missense variant.
Genome position (GRCh38, 1-based): chr21:43,063,958, G>A on the plus strand (C>T on the coding strand, the complement: CBS is on the minus strand). VCF-style: chr21-43063958-G-A. GRCh37 (hg19) VCF-style: chr21-44484068-G-A.
Other names: p.T257M:ACG>ATG; c.770C>T, p.Thr257Met (NM_001178008.3, NM_001178009.3, NM_001320298.2); c.455C>T, p.Thr152Met (NM_001321072.1); short protein forms T257M, T152M.
Identifiers: ClinVar variation 188927 (VCV000188927.29), dbSNP rs758236584, ClinGen allele CA274140.

ClinVar aggregate classification (germline): Pathogenic/Likely pathogenic. Review status: criteria provided, multiple submitters, no conflicts (2 of 4 stars). 14 submissions from 13 submitters: Pathogenic (12); Likely pathogenic (1). 1 of the submissions does not count toward it. Last evaluated 2026-09-11.

Conditions:
CBS-related disorder. Also called: CBS-related condition.
HYPERHOMOCYSTEINEMIA, THROMBOTIC, CBS-RELATED. Identifiers: MedGen C3150344, OMIM 236200.
Hyperhomocysteinemia. Identifiers: MedGen C0598608, MONDO:0004743, OMIM 603174.
Homocystinuria. Identifiers: MedGen C0019880, MONDO:0004737, HP:0002156.
Classic homocystinuria. Also called: Homocystinuria due to Cystathionine Beta-Synthase Deficiency; Homocystinuria due to CBS deficiency; Cystathionine beta-synthase deficiency; CBS deficiency; HOMOCYSTINURIA WITH OR WITHOUT RESPONSE TO PYRIDOXINE. Identifiers: Orphanet 394, MedGen C0751202, MONDO:0009352, OMIM 236200.

Allele frequency attached by ClinVar (database versions not stated): gnomAD 0.00010; ExAC 0.00006; TOPMed 0.00002; gnomAD exomes 0.00004.

Submissions (14):

PreventionGenetics, part of Exact Sciences
Classification: Pathogenic for CBS-related condition. Last evaluated: 2026-09-11. Review status: criteria provided, single submitter. Criteria: ACMG Guidelines, 2015. Collection method: clinical testing. Allele origin: germline.
Comment: The CBS c.770C>T variant is predicted to result in the amino acid substitution p.Thr257Met. This variant has been reported in the homozygous and compound heterozygous states in multiple individuals with homocystinuria (Sebastio et al. 1995. PubMed ID: 7762555; Lee et al. 2005. PubMed ID: 16205833; Zaidi et al. 2011. PubMed ID: 21517828; Li et al. 2018. PubMed ID: 29508359). This variant is reported in 0.013% of alleles in individuals of South Asian descent in gnomAD. In vitro experimental studies suggest this variant impacts CBS enzyme activity (Sebastio et al. 1995. PubMed ID: 7762555; Mayfield et al. 2012. PubMed ID: 22267502). This variant is interpreted as pathogenic.

Labcorp Genetics (formerly Invitae), Labcorp
Classification: Pathogenic for HYPERHOMOCYSTEINEMIA, THROMBOTIC, CBS-RELATED. Last evaluated: 2026-01-11. Review status: criteria provided, single submitter. Criteria: Invitae Variant Classification Sherloc (09022015). Collection method: clinical testing. Allele origin: germline.
Comment: This sequence change replaces threonine, which is neutral and polar, with methionine, which is neutral and non-polar, at codon 257 of the CBS protein (p.Thr257Met). This variant is present in population databases (rs758236584, gnomAD 0.01%). This missense change has been observed in individual(s) with homocystinuria (PMID: 7762555, 16205833, 16479318, 21517828). It has also been observed to segregate with disease in related individuals. ClinVar contains an entry for this variant (Variation ID: 188927). Invitae Evidence Modeling of protein sequence and biophysical properties (such as structural, functional, and spatial information, amino acid conservation, physicochemical variation, residue mobility, and thermodynamic stability) indicates that this missense variant is expected to disrupt CBS protein function with a positive predictive value of 95%. Experimental studies have shown that this missense change affects CBS function (PMID: 7762555, 16205833, 22267502, 22977242). For these reasons, this variant has been classified as Pathogenic.

Natera, Inc.
Classification: Pathogenic for Homocystinuria due to cystathionine beta-synthase deficiency. Last evaluated: 2025-10-08. Review status: criteria provided, single submitter. Criteria: Natera Variant Classification Schema (03/2026). Collection method: clinical testing. Allele origin: germline.
Comment: The c.770C>T variant in CBS is a missense variant predicted to cause substitution of threonine to methionine at amino acid 257. This variant is rare in the general population with a frequency below the threshold expected for the associated phenotype(s). This variant has been observed in one or more individuals affected with the associated recessive disease, as either homozygous or compound heterozygous with a second variant (PMID: 34905667, 29508359). Given the available evidence, this variant is classified as Pathogenic.

3billion
Classification: Pathogenic for Classic homocystinuria. Last evaluated: 2025-08-22. Review status: criteria provided, single submitter. Criteria: ACMG Guidelines, 2015. Collection method: clinical testing. Allele origin: germline. Affected: yes.
Comment: The variant is observed at an extremely low frequency in the gnomAD v4.1.0 dataset (total allele frequency: 0.004%). Predicted Consequence/Location: Missense variant In silico tool predictions suggest damaging effect of the variant on gene or gene product [REVEL: 0.96 (>=0.6, sensitivity 0.68 and specificity 0.92); 3Cnet: 1.00 (> 0.75, sensitivity 0.96 and precision 0.92)]. The same nucleotide change resulting in the same amino acid change has been previously reported as pathogenic/likely pathogenic with strong evidence (ClinVar ID: VCV000188927 /PMID: 7762555). Therefore, this variant is classified as Pathogenic according to the recommendation of ACMG/AMP guideline.

GeneDx
Classification: Pathogenic. Last evaluated: 2025-08-20. Review status: criteria provided, single submitter. Criteria: GeneDx Variant Classification Process June 2021. Collection method: clinical testing. Allele origin: germline. Affected: yes.
Comment: Published functional studies found this variant is associated with significantly reduced enzyme activity (PMID: 7762555, 16205833, 22977242); Not observed at a significant frequency in large population cohorts (gnomAD); In silico analysis supports that this missense variant has a deleterious effect on protein structure/function; This variant is associated with the following publications: (PMID: 22977242, 22267502, 31589614, 21517828, 16479318, 7967489, 29508359, 7762555, 16205833, 23685761, 35658358, 29600437)

Blueprint Genetics
Classification: Pathogenic for CBS-related disorders. Last evaluated: 2024-06-14. Review status: criteria provided, single submitter. Criteria: ACMG Guidelines, 2015. Collection method: clinical testing. Allele origin: germline. Affected: yes. Observed: 4 variant alleles.

Genomic Research Center, Shahid Beheshti University of Medical Sciences
Classification: Pathogenic for Classic homocystinuria. Last evaluated: 2024-04-13. Review status: criteria provided, single submitter. Criteria: ACMG Guidelines, 2015. Collection method: clinical testing. Allele origin: unknown. Affected: no.

Genomic Research Center, Shahid Beheshti University of Medical Sciences
Classification: Pathogenic for Hyperhomocysteinemia. Last evaluated: 2024-04-13. Review status: criteria provided, single submitter. Criteria: ACMG Guidelines, 2015. Collection method: clinical testing. Allele origin: unknown. Affected: no.

Baylor Genetics
Classification: Likely pathogenic for Classic homocystinuria. Last evaluated: 2024-03-03. Review status: criteria provided, single submitter. Criteria: ACMG Guidelines, 2015. Collection method: clinical testing. Allele origin: unknown.

Centre of Medical Genetics, University Hospital Muenster
Classification: Pathogenic. Last evaluated: 2023-01-11. Review status: criteria provided, single submitter. Criteria: ACMG Guidelines, 2015. Collection method: clinical testing. Allele origin: unknown. Affected: yes. Observed: 1 variant allele, 1 heterozygote.
Comment: ACMG categories: PS3,PM1,PM2,PP3,PP5

Laboratory for Molecular Medicine, Mass General Brigham Personalized Medicine
Classification: Pathogenic for Classic homocystinuria. Last evaluated: 2019-03-20. Review status: criteria provided, single submitter. Criteria: ACMG Guidelines, 2015. Collection method: clinical testing. Allele origin: germline. Inheritance: Autosomal recessive inheritance.
Comment: The p.Thr257Met variant in CBS has been reported in at least 7 individuals with homocystinuria (4 homozygous and 3 compound heterozygous) and segregated with disease in 2 affected individuals from 2 families (Ibrahim 2018, Lee 2005, Li 2018, Sebastio 1995, Urreizti 2006, Zaidi 2012). It has also been identified in 12/279982 total chromosomes by gnomAD. However, this frequency is low enough to be consistent with a recessive carrier frequency. This variant has also been reported in ClinVar (Variation ID 188927). Computational prediction tools and conservation analysis suggest that this variant may impact the protein, though this information is not predictive enough to determine pathogenicity. In vitro functional studies support an impact on protein function (Mayfield 2012, Yadav 2012, Sebastio 1995, Lee 2005). In summary, this variant meets criteria to be classified as pathogenic for autosomal recessive homocystinuria. ACMG/AMP Criteria applied: PS3, PM3_Strong, PM2_Supporting, PP1, PP3, PP4.

Women's Health and Genetics/Laboratory Corporation of America, LabCorp
Classification: Pathogenic for Homocystinuria. Last evaluated: 2018-12-24. Review status: criteria provided, single submitter. Criteria: LabCorp Variant Classification Summary - May 2015. Collection method: clinical testing. Allele origin: germline.
Comment: Variant summary: CBS c.770C>T (p.Thr257Met) results in a non-conservative amino acid change located in the pyridoxal-phosphate dependent enzyme domain (IPR001926) of the encoded protein sequence. Five of five in-silico tools predict a damaging effect of the variant on protein function. The variant allele was found at a frequency of 4.7e-05 in 274572 control chromosomes (gnomAD). This frequency is not higher than expected for a pathogenic variant in CBS causing Homocystinuria (4.7e-05 vs 0.003), allowing no conclusion about variant significance. c.770C>T has been reported in the literature in multiple homozygous (Sebastio 1995, Zaidi 2012) and compound heterozygous (e.g. Lee 2005) individuals affected with Homocystinuria. Moreover, the variant was shown to segregate with the disease in one of these families (Sebastio 1995). These data indicate that the variant is very likely to be associated with disease. These publications also reported experimental evidence evaluating an impact on protein function. The most pronounced variant effect results in <10% of normal activity (Sebastio 1995, Lee 2005). One clinical diagnostic laboratory has submitted clinical-significance assessments for this variant to ClinVar after 2014 without evidence for independent evaluation, and classified the variant as pathogenic. Based on the evidence outlined above, the variant was classified as pathogenic.

Kariminejad - Najmabadi Pathology & Genetics Center
Classification: Pathogenic for Classic homocystinuria. Review status: criteria provided, single submitter. Criteria: ACMG Guidelines, 2015. Collection method: clinical testing. Allele origin: germline. Affected: no.

Counsyl
Classification: Likely pathogenic for Homocystinuria due to CBS deficiency. Last evaluated: 2014-08-21. Review status: no assertion criteria provided. Collection method: literature only. Allele origin: unknown. Inheritance: Autosomal recessive inheritance. Not counted in ClinVar's aggregate classification.

Literature cited by the submitters: PubMed 7762555 (cited by 5 submitters); PubMed 16205833 (cited by 4 submitters); PubMed 16479318 (cited by 3 submitters); PubMed 21517828 (cited by 4 submitters); PubMed 22267502 (cited by 3 submitters); PubMed 22977242 (cited by 3 submitters); PubMed 34905667 (cited by Natera, Inc.); PubMed 29508359 (cited by Natera, Inc. and Laboratory for Molecular Medicine, Mass General Brigham Personalized Medicine); PubMed 29600437 (cited by Laboratory for Molecular Medicine, Mass General Brigham Personalized Medicine); PubMed 12686134 (cited by Counsyl).